The following is an entry in ClinVar:

NM_005612.5(REST):c.2692G>A (p.Gly898Arg)

Gene: REST (RE1 silencing transcription factor; plus strand). Cytogenetic location: 4q12.
Variant type: single nucleotide variant.
Coding change: c.2692G>A on transcript NM_005612.5 (MANE Select); coding-DNA position 2692, G replaced by A.
Protein change: p.Gly898Arg; replaces glycine 898 with arginine.
Molecular consequence: missense variant.
Genome position (GRCh38, 1-based): chr4:56,931,550, G>A. VCF-style: chr4-56931550-G-A. GRCh37 (hg19) VCF-style: chr4-57797716-G-A.
Other names: c.2692G>A, p.Gly898Arg (NM_001193508.2, NM_001363453.3); c.2608G>A, p.Gly870Arg (NM_001440532.1, NM_001440533.1); short protein forms G870R, G898R.
Identifiers: ClinVar variation 4813159 (VCV004813159.1).
Genomic context (GRCh38, chr4:56,931,550, plus strand): 5'-GGAGACCAAAAATTACTCAACACAGGTGAAGGAAATAAAGAAGCCCCTCTTCAGAAAGTA[G>A]GAGCAGAAGAGGCAGATGAGAGCCTACCTGGTCTTGCTGCTAATATCAACGAATCTACCC-3'
Protein context (NP_005603.3, residues 888-908): GNKEAPLQKV[Gly898Arg]AEEADESLPG

ClinVar aggregate classification (germline): Uncertain significance (1 of 4 stars; one submission).

Conditions:
Wilms tumor 6 (WT6). Also called: WILMS TUMOR 6, SUSCEPTIBILITY TO. Identifiers: Orphanet 654, MedGen C3891301, MONDO:0014779, OMIM 616806.

Submission:

St. Jude Molecular Pathology, St. Jude Children's Research Hospital
Classification: Uncertain significance for Wilms tumor 6. Last evaluated: 2026-02-11. Review status: criteria provided, single submitter. Criteria: St. Jude Assertion Criteria 2020. Collection method: clinical testing. Allele origin: germline.
Comment: The REST c.2692G>A p.(Gly898Arg) missense change is absent in gnomAD v2.1.1. The in silico tool REVEL predicts a benign effect on protein function, but to our knowledge this prediction has not been confirmed by functional studies. To our knowledge, this variant has not been reported in individuals with Wilms tumor. In summary, the evidence currently available is insufficient to determine the clinical significance of this variant. It has therefore been classified as of uncertain significance.